The following is an entry in ClinVar:

ClinVar aggregate classification (germline): Uncertain significance (1 of 4 stars; one submission).

gnomAD v4.1: 3 of 1,613,688 alleles (0.00019%); highest among the groups gnomAD compares: Admixed American, 0.0017%; no homozygotes.

Submission:

Dasa
Classification: Uncertain significance. Last evaluated: 2025-10-26. Review status: criteria provided, single submitter. Criteria: DASA Assertion Criteria. Collection method: clinical testing. Allele origin: germline.
Comment: NM_018026.4(PACS1):c.661-7C>T is a splice-region variant. This variant is rare in population databases. Computational prediction algorithms are consistent with a benign effect. The currently available literature and clinical evidence are not sufficient to establish a definitive association between this variant and the reported condition. Therefore, this variant is classified as a variant of uncertain significance.

NM_018026.4(PACS1):c.661-7C>T

Gene: PACS1 (phosphofurin acidic cluster sorting protein 1; plus strand). Cytogenetic location: 11q13.2.
Variant type: single nucleotide variant.
Coding change: c.661-7C>T on transcript NM_018026.4 (MANE Select); 7 bases into the intron before coding-DNA position 661, C replaced by T.
Molecular consequence: intron variant.
Genome position (GRCh38, 1-based): chr11:66,216,112, C>T. VCF-style: chr11-66216112-C-T. GRCh37 (hg19) VCF-style: chr11-65983583-C-T.
Identifiers: ClinVar variation 4885646 (VCV004885646.2).